The following is an entry in ClinVar:

NM_022725.4(FANCF):c.175G>C (p.Glu59Gln)

Gene: FANCF (FA complementation group F; minus strand). Cytogenetic location: 11p14.3.
Variant type: single nucleotide variant.
Coding change: c.175G>C on transcript NM_022725.4 (MANE Select); coding-DNA position 175, G replaced by C.
Protein change: p.Glu59Gln; replaces glutamic acid 59 with glutamine.
Molecular consequence: missense variant.
Genome position (GRCh38, 1-based): chr11:22,625,636, C>G on the plus strand (G>C on the coding strand, the complement: FANCF is on the minus strand). VCF-style: chr11-22625636-C-G. GRCh37 (hg19) VCF-style: chr11-22647182-C-G.
Other names: short protein forms E59Q.
Identifiers: ClinVar variation 2428372 (VCV002428372.6), dbSNP rs534501505, ClinGen allele CA5924413.

ClinVar aggregate classification (germline): Uncertain significance (1 of 4 stars; one submission).

Conditions:
Fanconi anemia (FA). Also called: Fanconi's anemia. Identifiers: Orphanet 84, MedGen C0015625, MeSH D005199, MONDO:0019391.

Allele frequency attached by ClinVar (database versions not stated): gnomAD exomes below 0.00001; ExAC 0.00002.
gnomAD v4.1: 2 of 1,613,960 alleles (0.00012%); highest among the groups gnomAD compares: Non-Finnish European, 0.000085%; no homozygotes.

Submission:

Labcorp Genetics (formerly Invitae), Labcorp
Classification: Uncertain significance for Fanconi anemia. Last evaluated: 2022-10-08. Review status: criteria provided, single submitter. Criteria: Invitae Variant Classification Sherloc (09022015). Collection method: clinical testing. Allele origin: germline.
Comment: In summary, the available evidence is currently insufficient to determine the role of this variant in disease. Therefore, it has been classified as a Variant of Uncertain Significance. Advanced modeling of protein sequence and biophysical properties (such as structural, functional, and spatial information, amino acid conservation, physicochemical variation, residue mobility, and thermodynamic stability) performed at Invitae indicates that this missense variant is not expected to disrupt FANCF protein function. This variant has not been reported in the literature in individuals affected with FANCF-related conditions. This variant is present in population databases (rs534501505, gnomAD 0.007%). This sequence change replaces glutamic acid, which is acidic and polar, with glutamine, which is neutral and polar, at codon 59 of the FANCF protein (p.Glu59Gln).